The following is an entry in ClinVar:

ClinVar aggregate classification (germline): Uncertain significance (0 of 4 stars; one submission).

Conditions:
DNAH10-related disorder. Also called: DNAH10-related condition.

Submission:

PreventionGenetics, part of Exact Sciences
Classification: Uncertain significance for DNAH10-related condition. Last evaluated: 2023-12-14. Review status: no assertion criteria provided. Collection method: clinical testing. Allele origin: germline.
Comment: The DNAH10 c.213A>C variant is predicted to result in the amino acid substitution p.Lys71Asn. To our knowledge, this variant has not been reported in the literature or in a large population database, indicating this variant is rare. At this time, the clinical significance of this variant is uncertain due to the absence of conclusive functional and genetic evidence.

NM_001372106.1(DNAH10):c.396A>C (p.Lys132Asn)

Gene: DNAH10 (dynein axonemal heavy chain 10; plus strand). Cytogenetic location: 12q24.31.
Variant type: single nucleotide variant.
Coding change: c.396A>C on transcript NM_001372106.1 (MANE Select); coding-DNA position 396, A replaced by C.
Protein change: p.Lys132Asn; replaces lysine 132 with asparagine.
Molecular consequence: missense variant.
Genome position (GRCh38, 1-based): chr12:123,771,698, A>C. VCF-style: chr12-123771698-A-C. GRCh37 (hg19) VCF-style: chr12-124256245-A-C.
Other names: c.213A>C, p.Lys71Asn (NM_001083900.1, NM_207437.3); short protein forms K132N, K71N.
Identifiers: ClinVar variation 3049674 (VCV003049674.2), dbSNP rs2541980340, ClinGen allele CA387163504.